The following is an entry in ClinVar:

NM_001384910.1(GUCA1A):c.201+6C>G

Genes: GUCA1A (guanylate cyclase activator 1A; plus strand), GUCA1ANB-GUCA1A (GUCA1ANB-GUCA1A readthrough; plus strand). Cytogenetic location: 6p21.1.
Variant type: single nucleotide variant.
Coding change: c.201+6C>G on transcript NM_001384910.1 (MANE Select); 6 bases into the intron after coding-DNA position 201, C replaced by G.
Molecular consequence: intron variant.
Genome position (GRCh38, 1-based): chr6:42,173,820, C>G. VCF-style: chr6-42173820-C-G. GRCh37 (hg19) VCF-style: chr6-42141558-C-G.
Other names: c.201+6C>G (NM_001319061.2, NM_000409.5, NM_001319062.2).
Identifiers: ClinVar variation 4720903 (VCV004720903.1).

ClinVar aggregate classification (germline): Uncertain significance (1 of 4 stars; one submission).

Submission:

Labcorp Genetics (formerly Invitae), Labcorp
Classification: Uncertain significance. Last evaluated: 2025-06-06. Review status: criteria provided, single submitter. Criteria: Invitae Variant Classification Sherloc (09022015). Collection method: clinical testing. Allele origin: germline.
Comment: This sequence change falls in intron 3 of the GUCA1A gene. It does not directly change the encoded amino acid sequence of the GUCA1A protein. It affects a nucleotide within the consensus splice site. This variant is not present in population databases (gnomAD no frequency). This variant has not been reported in the literature in individuals affected with GUCA1A-related conditions. Variants that disrupt the consensus splice site are a relatively common cause of aberrant splicing (PMID: 17576681, 9536098). Algorithms developed to predict the effect of sequence changes on RNA splicing suggest that this variant is not likely to affect RNA splicing. In summary, the available evidence is currently insufficient to determine the role of this variant in disease. Therefore, it has been classified as a Variant of Uncertain Significance.

Literature cited by the submitters: PubMed 17576681; PubMed 9536098.